The following is an entry in ClinVar:

NM_000545.8(HNF1A):c.1405C>T (p.His469Tyr)

Gene: HNF1A (HNF1 homeobox A; plus strand). Cytogenetic location: 12q24.31.
Variant type: single nucleotide variant.
Coding change: c.1405C>T on transcript NM_000545.8 (MANE Select); coding-DNA position 1405, C replaced by T.
Protein change: p.His469Tyr; replaces histidine 469 with tyrosine.
Molecular consequence: missense variant.
Genome position (GRCh38, 1-based): chr12:120,997,569, C>T. VCF-style: chr12-120997569-C-T. GRCh37 (hg19) VCF-style: chr12-121435372-C-T.
Other names: c.1405C>T, p.His469Tyr (NM_001306179.2); c.1405C>T (NM_000545.6); short protein forms H469Y.
Identifiers: ClinVar variation 598142 (VCV000598142.17), dbSNP rs201811844, ClinGen allele CA6832038.

ClinVar aggregate classification (germline): Conflicting classifications of pathogenicity. Review status: criteria provided, conflicting classifications (1 of 4 stars). 7 submissions from 7 submitters: Uncertain significance (3); Likely benign (3). 1 of the submissions does not count toward it. Last evaluated 2025-12-19.

Conditions:
Maturity-onset diabetes of the young type 3. Also called: MODY type 3; MODY, type III. Identifiers: Orphanet 552, MedGen C1838100, MeSH C563933, MONDO:0010894, OMIM 600496. Disease mechanism: loss of function.
Type 2 diabetes mellitus. Also called: Type II diabetes mellitus. Identifiers: MedGen C0011860, MeSH D003924, MONDO:0005148, OMIM 125853, HP:0005978.
Nonpapillary renal cell carcinoma. Identifiers: Orphanet 422526, MedGen CN074294, MONDO:0007763, OMIM 144700.
Diabetes mellitus type 1 (T1D). Also called: Type I diabetes mellitus; Diabetes Mellitus, Juvenile-Onset. Identifiers: MedGen C0011854, MONDO:0005147, OMIM 222100, HP:0100651.
Hepatic adenomas, familial. Also called: HEPATIC ADENOMA, SOMATIC; LIVER CELL ADENOMAS, FAMILIAL. Identifiers: MedGen C1840646, MONDO:0007718, OMIM 142330.
Type 1 diabetes mellitus 20 (T1D20). Also called: Diabetes mellitus, insulin-dependent, 20. Identifiers: MedGen C2675866, MONDO:0012919, OMIM 612520.
HNF1A-related disorder. Also called: HNF1A-related condition.

Allele frequency attached by ClinVar (database versions not stated): gnomAD 0.00005 and 0.00006; TOPMed 0.00009; gnomAD exomes 0.00012 and 0.00015; ExAC 0.00016.
gnomAD v4.1: 227 of 1,613,694 alleles (0.014%); highest among the groups gnomAD compares: Non-Finnish European, 0.018%; no homozygotes.

Submissions (7):

Labcorp Genetics (formerly Invitae), Labcorp
Classification: Likely benign. Last evaluated: 2025-12-19. Review status: criteria provided, single submitter. Criteria: Invitae Variant Classification Sherloc (09022015). Collection method: clinical testing. Allele origin: germline.

Women's Health and Genetics/Laboratory Corporation of America, LabCorp
Classification: Likely benign. Last evaluated: 2024-04-12. Review status: criteria provided, single submitter. Criteria: LabCorp Variant Classification Summary - May 2015. Collection method: clinical testing. Allele origin: germline.
Comment: Variant summary: HNF1A c.1405C>T (p.His469Tyr) results in a conservative amino acid change in the encoded protein sequence. Three of five in-silico tools predict a damaging effect of the variant on protein function. The variant allele was found at a frequency of 0.00012 in 249830 control chromosomes. The observed variant frequency is approximately 5 fold of the estimated maximal expected allele frequency for a pathogenic variant in HNF1A causing Maturity Onset Diabetes Of The Young 3 phenotype (2.5e-05), strongly suggesting that the variant is benign. c.1405C>T has been reported in the literature in individuals affected with Maturity Onset Diabetes Of The Young 3. These report(s) do not provide unequivocal conclusions about association of the variant with Maturity Onset Diabetes Of The Young 3. Co-occurrences with a pathogenic variant has been reported (HNF1A, p.G207D), providing supporting evidence for a benign role. At least one publication reports experimental evidence evaluating an impact on protein function and showed that this variant affects transcriptional acitivity and nuclear localization (Najmi_2017). ClinVar contains an entry for this variant (Variation ID: 598142). Based on the evidence outlined above, the variant was classified as likely benign.

Fulgent Genetics
Classification: Uncertain significance for Type 2 diabetes mellitus; Hepatic adenomas, familial; Nonpapillary renal cell carcinoma; Diabetes mellitus type 1; Maturity-onset diabetes of the young type 3; Type 1 diabetes mellitus 20. Last evaluated: 2024-03-10. Review status: criteria provided, single submitter. Criteria: ACMG Guidelines, 2015. Collection method: clinical testing. Allele origin: germline.

Athena Diagnostics
Classification: Uncertain significance. Last evaluated: 2019-06-12. Review status: criteria provided, single submitter. Criteria: Athena Diagnostics Criteria. Collection method: clinical testing. Allele origin: germline.

Eurofins Ntd Llc (ga)
Classification: Uncertain significance. Last evaluated: 2018-07-26. Review status: criteria provided, single submitter. Criteria: EGL ClinVar v180209 classification definitions. Collection method: clinical testing. Allele origin: germline. Observed: 1 variant allele, 1 heterozygote.

Illumina Laboratory Services, Illumina
Classification: Likely benign for Maturity-onset diabetes of the young type 3. Last evaluated: 2017-04-27. Review status: criteria provided, single submitter. Criteria: ICSL Variant Classification Criteria 13 December 2019. Collection method: clinical testing. Allele origin: germline.
Comment: This variant was observed as part of a predisposition screen in an ostensibly healthy population. A literature search was performed for the gene, cDNA change, and amino acid change (where applicable). Publications were found based on this search. The evidence from the literature, in combination with allele frequency data from public databases where available, was sufficient to determine this variant is unlikely to cause disease. Therefore, this variant is classified as likely benign.

PreventionGenetics, part of Exact Sciences
Classification: Uncertain significance for HNF1A-related condition. Last evaluated: 2024-03-06. Review status: no assertion criteria provided. Collection method: clinical testing. Allele origin: germline. Not counted in ClinVar's aggregate classification.
Comment: The HNF1A c.1405C>T variant is predicted to result in the amino acid substitution p.His469Tyr. This variant was reported in both controls and affected individuals with maturity-onset diabetes of the young type (MODY) (Table S3, Flannick et al. 2013. PubMed ID: 24097065; Bennett et al. 2015. PubMed ID: 25555642). Functional studies suggested that this variant resulted in reduced transcription activity and altered subcellular localization (Najmi et al. 2017. PubMed ID: 27899486). This variant is reported in 0.023% of alleles in individuals of European (Non-Finnish) descent in gnomAD. At this time, the clinical significance of this variant is uncertain due to the absence of conclusive functional and genetic evidence.

Literature cited by the submitters: PubMed 27899486 (cited by Women's Health and Genetics/Laboratory Corporation of America, LabCorp and Athena Diagnostics); PubMed 32910913 (cited by Women's Health and Genetics/Laboratory Corporation of America, LabCorp); PubMed 24097065 (cited by Athena Diagnostics); PubMed 21518407 (cited by Athena Diagnostics and Illumina Laboratory Services, Illumina); PubMed 23348805 (cited by Athena Diagnostics); PubMed 25555642 (cited by Athena Diagnostics).